The following is an entry in ClinVar:

NM_002448.3(MSX1):c.545C>T (p.Ala182Val)

Gene: MSX1 (msh homeobox 1; plus strand). Cytogenetic location: 4p16.2.
Variant type: single nucleotide variant.
Coding change: c.545C>T on transcript NM_002448.3 (MANE Select); coding-DNA position 545, C replaced by T.
Protein change: p.Ala182Val; replaces alanine 182 with valine.
Molecular consequence: missense variant.
Genome position (GRCh38, 1-based): chr4:4,862,776, C>T. VCF-style: chr4-4862776-C-T. GRCh37 (hg19) VCF-style: chr4-4864503-C-T.
Other names: short protein forms A182V.
Identifiers: ClinVar variation 2420915 (VCV002420915.4), dbSNP rs370243708, ClinGen allele CA2833071.

ClinVar aggregate classification (germline): Uncertain significance (1 of 4 stars; one submission).

Conditions:
Hypoplastic enamel-onycholysis-hypohidrosis syndrome (TNS). Also called: ECTODERMAL DYSPLASIA 3, TOOTH/NAIL TYPE; Tooth-and-Nail Syndrome; ECTODERMAL DYSPLASIA 3, WITKOP TYPE; WITKOP SYNDROME; NAIL DYSPLASIA WITH HYPODONTIA. Identifiers: Orphanet 2228, MedGen C0406735, MONDO:0008582, OMIM 189500.

Allele frequency attached by ClinVar (database versions not stated): gnomAD exomes 0.00001; gnomAD 0.00002; ExAC 0.00003; TOPMed 0.00006; ESP Exome Variant Server 0.00008.

Submission:

Labcorp Genetics (formerly Invitae), Labcorp
Classification: Uncertain significance for Hypoplastic enamel-onycholysis-hypohidrosis syndrome. Last evaluated: 2022-09-23. Review status: criteria provided, single submitter. Criteria: Invitae Variant Classification Sherloc (09022015). Collection method: clinical testing. Allele origin: germline.
Comment: In summary, the available evidence is currently insufficient to determine the role of this variant in disease. Therefore, it has been classified as a Variant of Uncertain Significance. Advanced modeling of protein sequence and biophysical properties (such as structural, functional, and spatial information, amino acid conservation, physicochemical variation, residue mobility, and thermodynamic stability) performed at Invitae indicates that this missense variant is not expected to disrupt MSX1 protein function. This variant has not been reported in the literature in individuals affected with MSX1-related conditions. This variant is present in population databases (rs370243708, gnomAD 0.002%). This sequence change replaces alanine, which is neutral and non-polar, with valine, which is neutral and non-polar, at codon 182 of the MSX1 protein (p.Ala182Val).